The following is an entry in ClinVar:

ClinVar aggregate classification (germline): Likely benign (1 of 4 stars; one submission).

Conditions:
SPAST-related disorder. Also called: SPAST-related condition.

gnomAD v4.1: 9 of 1,550,382 alleles (0.00058%); highest among the groups gnomAD compares: African/African-American, 0.012%; no homozygotes.

Submission:

PreventionGenetics, part of Exact Sciences
Classification: Likely benign for SPAST-related condition. Last evaluated: 2025-07-25. Review status: criteria provided, single submitter. Criteria: ACMG Guidelines, 2015. Collection method: clinical testing. Allele origin: germline.
Comment: This variant is classified as likely benign based on ACMG/AMP sequence variant interpretation guidelines (Richards et al. 2015 PMID: 25741868, with internal and published modifications).

NM_014946.4(SPAST):c.372C>T (p.Phe124=)

Gene: SPAST (spastin; plus strand). Cytogenetic location: 2p22.3.
Variant type: single nucleotide variant.
Coding change: c.372C>T on transcript NM_014946.4 (MANE Select); coding-DNA position 372, C replaced by T.
Protein change: p.Phe124=; no amino-acid change (phenylalanine 124 retained).
Molecular consequence: synonymous variant.
Genome position (GRCh38, 1-based): chr2:32,064,203, C>T. VCF-style: chr2-32064203-C-T. GRCh37 (hg19) VCF-style: chr2-32289272-C-T.
Other names: c.372C>T, p.Phe124= (NM_001363823.2, NM_001363875.2, NM_001377959.1 and 1 more transcripts).
Identifiers: ClinVar variation 4983883 (VCV004983883.1).
Genomic context (GRCh38, chr2:32,064,203, plus strand): 5'-CCCGGCGCCGGTGCCGGGCGGCGAGGCCGAGCGCGTCCGAGTCTTCCACAAACAGGCCTT[C>T]GAGTACATCTCCATTGCCCTGCGCATCGATGAGGATGAGAAAGGTAACTAGGGGGCTGGG-3'
Protein context (NP_055761.2, residues 114-134): ERVRVFHKQA[Phe124=]EYISIALRID